The following is an entry in ClinVar:

ClinVar aggregate classification (germline): Uncertain significance (1 of 4 stars; one submission).

Submission:

Labcorp Genetics (formerly Invitae), Labcorp
Classification: Uncertain significance. Last evaluated: 2022-07-06. Review status: criteria provided, single submitter. Criteria: Invitae Variant Classification Sherloc (09022015). Collection method: clinical testing. Allele origin: germline.
Comment: This sequence change replaces asparagine, which is neutral and polar, with lysine, which is basic and polar, at codon 246 of the DNM1L protein (p.Asn246Lys). In summary, the available evidence is currently insufficient to determine the role of this variant in disease. Therefore, it has been classified as a Variant of Uncertain Significance. Algorithms developed to predict the effect of sequence changes on RNA splicing suggest that this variant may disrupt the consensus splice site. Algorithms developed to predict the effect of missense changes on protein structure and function (SIFT, PolyPhen-2, Align-GVGD) all suggest that this variant is likely to be disruptive. This variant has not been reported in the literature in individuals affected with DNM1L-related conditions. This variant is not present in population databases (gnomAD no frequency).

NM_012062.5(DNM1L):c.738C>G (p.Asn246Lys)

Gene: DNM1L (dynamin 1 like; plus strand). Cytogenetic location: 12p11.21.
Variant type: single nucleotide variant.
Coding change: c.738C>G on transcript NM_012062.5 (MANE Select); coding-DNA position 738, C replaced by G.
Protein change: p.Asn246Lys; replaces asparagine 246 with lysine.
Molecular consequence: missense variant. On other transcripts: intron variant (1).
Genome position (GRCh38, 1-based): chr12:32,718,761, C>G. VCF-style: chr12-32718761-C-G. GRCh37 (hg19) VCF-style: chr12-32871695-C-G.
Other names: c.738C>G, p.Asn246Lys (NM_001278463.2, NM_005690.5, NM_012063.4); c.777C>G, p.Asn259Lys (NM_001278464.2, NM_001278465.2, NM_001330380.2); c.132-1903C>G (NM_001278466.2); short protein forms N246K, N259K.
Identifiers: ClinVar variation 2074824 (VCV002074824.4), dbSNP rs2541036421, ClinGen allele CA384369076.
Genomic context (GRCh38, chr12:32,718,761, plus strand): 5'-CATGGATGTATTGATGGGAAGGGTTATTCCAGTCAAACTTGGAATAATTGGAGTAGTTAA[C>G]AGGTTAGCAGTTAGAATGGGATAAGAATTGGGATAAGCATTCTTAGAATGGGATAAGCAT-3'
Protein context (NP_036192.2, residues 236-256): PVKLGIIGVV[Asn246Lys]RSQLDINNKK